The following is an entry in ClinVar:

NC_000016.9:g.(?_23625315)_(23625422_?)del

Gene: PALB2 (partner and localizer of BRCA2; minus strand). Cytogenetic location: 16p12.2.
Variant type: Deletion.
Identifiers: ClinVar variation 1075917 (VCV001075917.6).

ClinVar aggregate classification (germline): Pathogenic (1 of 4 stars; one submission).

Conditions:
Familial cancer of breast. Also called: hereditary breast carcinoma; Hereditary breast cancer; BREAST CANCER, FAMILIAL. Identifiers: Orphanet 227535, MedGen C0346153, MONDO:0016419, OMIM 114480. Disease mechanism: loss of function.

Submission:

Labcorp Genetics (formerly Invitae), Labcorp
Classification: Pathogenic for Familial cancer of breast. Last evaluated: 2022-10-31. Review status: criteria provided, single submitter. Criteria: Invitae Variant Classification Sherloc (09022015). Collection method: clinical testing. Allele origin: germline.
Comment: This variant is a gross deletion of the genomic region encompassing exon(s) 11 of the PALB2 gene. This deletion is out-of-frame, and is expected to create a premature termination codon and result in an absent or disrupted protein product. Loss-of-function variants in PALB2 are known to be pathogenic (PMID: 17200668, 17200671, 17200672, 24136930, 25099575). A similar copy number variant has been observed in individual(s) with breast and ovarian cancer, cervical and breast cancer, and/or prostate cancer (PMID: 24982446, 26681312, 27433846). For these reasons, this variant has been classified as Pathogenic.

Literature cited by the submitters: PubMed 17200668; PubMed 17200671; PubMed 17200672; PubMed 24136930; PubMed 25099575; PubMed 24982446; PubMed 26681312; PubMed 27433846.